The following is an entry in ClinVar:

NM_017534.6(MYH2):c.4441C>T (p.Arg1481Cys)

Genes: MYHAS (myosin heavy chain gene cluster antisense RNA; plus strand), MYH2 (myosin heavy chain 2; minus strand), LOC126862500 (BRD4-independent group 4 enhancer GRCh37_chr17:10427829-10429028; plus strand). Cytogenetic location: 17p13.1.
Variant type: single nucleotide variant.
Coding change: c.4441C>T on transcript NM_017534.6 (MANE Select); coding-DNA position 4441, C replaced by T.
Protein change: p.Arg1481Cys; replaces arginine 1481 with cysteine.
Molecular consequence: missense variant.
Genome position (GRCh38, 1-based): chr17:10,525,547, G>A on the plus strand (C>T on the coding strand, the complement: MYH2 is on the minus strand). VCF-style: chr17-10525547-G-A. GRCh37 (hg19) VCF-style: chr17-10428864-G-A.
Other names: c.4441C>T, p.Arg1481Cys (NM_001100112.2); short protein forms R1481C.
Identifiers: ClinVar variation 863719 (VCV000863719.9), dbSNP rs990939157, ClinGen allele CA287737021.
Genomic context (GRCh38, chr17:10,525,547, plus strand): 5'-GCTGATCCAAAGATTCCTCATAGGCATTCTTTATCTTGAACAGCTCAGTGCCAAGGGAAC[G>A]GGCCTCCTTCTGGGAGGCCTCAAGCTCAGCATGCGTTTCCTCACATTTCTGTTTCCATTC-3'
Protein context (NP_060004.3, residues 1471-1491): AELEASQKEA[Arg1481Cys]SLGTELFKIK

ClinVar aggregate classification (germline): Uncertain significance. Review status: criteria provided, multiple submitters, no conflicts (2 of 4 stars). 2 submissions from 2 submitters: Uncertain significance (2). Last evaluated 2025-12-03.

Conditions:
Inborn genetic diseases. Identifiers: MedGen C0950123, MeSH D030342.
Myopathy, proximal, and ophthalmoplegia (CMYO6). Also called: CONGENITAL MYOPATHY 6 WITH OPHTHALMOPLEGIA; INCLUSION BODY MYOPATHY 3, AUTOSOMAL DOMINANT; MYOPATHY WITH CONGENITAL JOINT CONTRACTURES, OPHTHALMOPLEGIA, AND RIMMED VACUOLES. Identifiers: Orphanet 363677, Orphanet 79091, MedGen C1854106, MONDO:0011577, OMIM 605637.

Allele frequency attached by ClinVar (database versions not stated): gnomAD 0.00001; gnomAD exomes 0.00002; TOPMed 0.00002.
gnomAD v4.1: 70 of 1,614,006 alleles (0.0043%); highest among the groups gnomAD compares: South Asian, 0.016%; 1 homozygote.

Submissions (2):

Labcorp Genetics (formerly Invitae), Labcorp
Classification: Uncertain significance for Myopathy, proximal, and ophthalmoplegia. Last evaluated: 2025-12-03. Review status: criteria provided, single submitter. Criteria: Invitae Variant Classification Sherloc (09022015). Collection method: clinical testing. Allele origin: germline.
Comment: This sequence change replaces arginine, which is basic and polar, with cysteine, which is neutral and slightly polar, at codon 1481 of the MYH2 protein (p.Arg1481Cys). This variant is present in population databases (no rsID available, gnomAD 0.01%). This variant has not been reported in the literature in individuals affected with MYH2-related conditions. ClinVar contains an entry for this variant (Variation ID: 863719). Invitae Evidence Modeling of protein sequence and biophysical properties (such as structural, functional, and spatial information, amino acid conservation, physicochemical variation, residue mobility, and thermodynamic stability) indicates that this missense variant is expected to disrupt MYH2 protein function with a positive predictive value of 80%. In summary, the available evidence is currently insufficient to determine the role of this variant in disease. Therefore, it has been classified as a Variant of Uncertain Significance.

Ambry Genetics
Classification: Uncertain significance for Inborn genetic diseases. Last evaluated: 2025-01-26. Review status: criteria provided, single submitter. Criteria: Ambry Variant Classification Scheme 2023. Collection method: clinical testing. Allele origin: germline.